The following is an entry in ClinVar:

ClinVar aggregate classification (germline): Likely pathogenic (1 of 4 stars; one submission).

Allele frequency attached by ClinVar (database versions not stated): TOPMed below 0.00001.

Submission:

Labcorp Genetics (formerly Invitae), Labcorp
Classification: Likely pathogenic. Last evaluated: 2023-11-06. Review status: criteria provided, single submitter. Criteria: Invitae Variant Classification Sherloc (09022015). Collection method: clinical testing. Allele origin: germline.
Comment: This sequence change affects an acceptor splice site in intron 30 of the ELP1 gene. It is expected to disrupt RNA splicing. Variants that disrupt the donor or acceptor splice site typically lead to a loss of protein function (PMID: 16199547), and loss-of-function variants in ELP1 are known to be pathogenic (PMID: 18303054, 24173031). This variant is not present in population databases (gnomAD no frequency). This variant has not been reported in the literature in individuals affected with ELP1-related conditions. Algorithms developed to predict the effect of sequence changes on RNA splicing suggest that this variant may disrupt the consensus splice site. In summary, the currently available evidence indicates that the variant is pathogenic, but additional data are needed to prove that conclusively. Therefore, this variant has been classified as Likely Pathogenic.

Literature cited by the submitters: PubMed 16199547; PubMed 18303054; PubMed 24173031.

NM_003640.5(ELP1):c.3286-1G>C

Gene: ELP1 (elongator acetyltransferase complex subunit 1; minus strand). Cytogenetic location: 9q31.3.
Variant type: single nucleotide variant.
Coding change: c.3286-1G>C on transcript NM_003640.5 (MANE Select); the canonical splice acceptor site of the intron before coding-DNA position 3286, G replaced by C.
Molecular consequence: splice acceptor variant.
Genome position (GRCh38, 1-based): chr9:108,881,766, C>G on the plus strand (G>C on the coding strand, the complement: ELP1 is on the minus strand). VCF-style: chr9-108881766-C-G. GRCh37 (hg19) VCF-style: chr9-111644046-C-G.
Other names: c.2944-1G>C (NM_001318360.2); c.2239-1G>C (NM_001330749.2).
Identifiers: ClinVar variation 2754793 (VCV002754793.3), dbSNP rs1159691474, ClinGen allele CA374413348.